The following is an entry in ClinVar:

NM_001164277.2(SLC37A4):c.388G>C (p.Glu130Gln)

Gene: SLC37A4 (solute carrier family 37 member 4; minus strand). Cytogenetic location: 11q23.3.
Variant type: single nucleotide variant.
Coding change: c.388G>C on transcript NM_001164277.2 (MANE Select); coding-DNA position 388, G replaced by C.
Protein change: p.Glu130Gln; replaces glutamic acid 130 with glutamine.
Molecular consequence: missense variant.
Genome position (GRCh38, 1-based): chr11:119,027,866, C>G on the plus strand (G>C on the coding strand, the complement: SLC37A4 is on the minus strand). VCF-style: chr11-119027866-C-G. GRCh37 (hg19) VCF-style: chr11-118898576-C-G.
Other names: c.388G>C, p.Glu130Gln (NM_001164278.2, NM_001164280.2, NM_001467.6); c.169G>C, p.Glu57Gln (NM_001164279.2); short protein forms E130Q, E57Q.
Identifiers: ClinVar variation 3608769 (VCV003608769.2).
Genomic context (GRCh38, chr11:119,027,866, plus strand): 5'-CTCCAGCCAGGTTCATGCTGGTTGACAGGATGGCCCACCAAGTGCCAAACTGAGATGGCT[C>G]AAACCACTGTGGGGCAGAGGGCGACACGTAGGTGTCCAGCCTACTGCCCATGTTGAGGGT-3'
Protein context (NP_001157749.1, residues 120-140): PCGKVLRKWF[Glu130Gln]PSQFGTWWAI

ClinVar aggregate classification (germline): Uncertain significance (1 of 4 stars; one submission).

Conditions:
Glucose-6-phosphate transport defect (GSD1B). Also called: GSD Ib; Glycogen Storage Disease Type Ib. Identifiers: Orphanet 364, Orphanet 79259, MedGen C0268146, MONDO:0009288, OMIM 232220.

Submission:

Labcorp Genetics (formerly Invitae), Labcorp
Classification: Uncertain significance for Glucose-6-phosphate transport defect. Last evaluated: 2024-08-27. Review status: criteria provided, single submitter. Criteria: Invitae Variant Classification Sherloc (09022015). Collection method: clinical testing. Allele origin: germline.
Comment: This sequence change replaces glutamic acid, which is acidic and polar, with glutamine, which is neutral and polar, at codon 130 of the SLC37A4 protein (p.Glu130Gln). This variant is not present in population databases (gnomAD no frequency). This variant has not been reported in the literature in individuals affected with SLC37A4-related conditions. Invitae Evidence Modeling of protein sequence and biophysical properties (such as structural, functional, and spatial information, amino acid conservation, physicochemical variation, residue mobility, and thermodynamic stability) indicates that this missense variant is not expected to disrupt SLC37A4 protein function with a negative predictive value of 80%. In summary, the available evidence is currently insufficient to determine the role of this variant in disease. Therefore, it has been classified as a Variant of Uncertain Significance.